The following is an entry in ClinVar:

NM_004006.3(DMD):c.4331T>C (p.Ile1444Thr)

Gene: DMD (dystrophin; minus strand). Cytogenetic location: Xp21.1.
Variant type: single nucleotide variant.
Coding change: c.4331T>C on transcript NM_004006.3 (MANE Select); coding-DNA position 4331, T replaced by C.
Protein change: p.Ile1444Thr; replaces isoleucine 1444 with threonine.
Molecular consequence: missense variant.
Genome position (GRCh38, 1-based): chrX:32,390,084, A>G on the plus strand (T>C on the coding strand, the complement: DMD is on the minus strand). VCF-style: chrX-32390084-A-G. GRCh37 (hg19) VCF-style: chrX-32408201-A-G.
Other names: c.4307T>C, p.Ile1436Thr (NM_000109.4); c.4319T>C, p.Ile1440Thr (NM_004009.3); c.3962T>C, p.Ile1321Thr (NM_004010.3); c.308T>C, p.Ile103Thr (NM_004011.4); c.299T>C, p.Ile100Thr (NM_004012.4); short protein forms I100T, I103T, I1436T, I1321T, I1440T, I1444T.
Identifiers: ClinVar variation 1739795 (VCV001739795.7), dbSNP rs778423964, ClinGen allele CA10378986.

ClinVar aggregate classification (germline): Conflicting classifications of pathogenicity. Review status: criteria provided, conflicting classifications (1 of 4 stars). 2 submissions from 2 submitters: Uncertain significance (1); Likely benign (1). Last evaluated 2024-04-16.

Conditions:
Cardiovascular phenotype. Identifiers: MedGen CN230736.
Duchenne muscular dystrophy (DMD). Also called: MUSCULAR DYSTROPHY, PSEUDOHYPERTROPHIC PROGRESSIVE, DUCHENNE TYPE; Duchenne Muscular Dystrophy (DMD). Identifiers: Orphanet 98896, MedGen C0013264, MONDO:0010679, OMIM 310200.

Allele frequency attached by ClinVar (database versions not stated): TOPMed below 0.00001; ExAC 0.00001; gnomAD exomes 0.00001.
gnomAD v4.1: 9 of 1,207,145 alleles (0.00075%); highest among the groups gnomAD compares: East Asian, 0.003%; no homozygotes.

Submissions (2):

Labcorp Genetics (formerly Invitae), Labcorp
Classification: Likely benign for Duchenne muscular dystrophy. Last evaluated: 2024-04-16. Review status: criteria provided, single submitter. Criteria: Invitae Variant Classification Sherloc (09022015). Collection method: clinical testing. Allele origin: germline.

Ambry Genetics
Classification: Uncertain significance for Cardiovascular phenotype. Last evaluated: 2020-12-24. Review status: criteria provided, single submitter. Criteria: Ambry Variant Classification Scheme 2023. Collection method: clinical testing. Allele origin: germline.
Comment: The p.I1444T variant (also known as c.4331T>C), located in coding exon 31 of the DMD gene, results from a T to C substitution at nucleotide position 4331. The isoleucine at codon 1444 is replaced by threonine, an amino acid with similar properties. Based on data from gnomAD, the C allele has an overall frequency of 0.0005% (1/182503) total alleles studied, with 1 hemizygote observed. The highest observed frequency was 0.0012% (1/81202) of non-Finnish European alleles. This amino acid position is highly conserved in available vertebrate species. In addition, the in silico prediction for this alteration is inconclusive. Since supporting evidence is limited at this time, the clinical significance of this alteration remains unclear.